The following is an entry in ClinVar:

ClinVar aggregate classification (germline): Uncertain significance. Review status: criteria provided, multiple submitters, no conflicts (2 of 4 stars). 4 submissions from 4 submitters: Uncertain significance (3). 1 of the submissions does not count toward it. Last evaluated 2025-10-22.

Conditions:
NAF1-related disorder. Also called: NAF1-related condition.

Allele frequency attached by ClinVar (database versions not stated): gnomAD exomes below 0.00001; ExAC 0.00002; gnomAD 0.00003; TOPMed 0.00003; 1000 Genomes Project 0.00020; 1000 Genomes Project 30x 0.00031.
gnomAD v4.1: 7 of 1,605,816 alleles (0.00044%); highest among the groups gnomAD compares: African/African-American, 0.0067%; no homozygotes.

Submissions (4):

Ambry Genetics
Classification: Uncertain significance. Last evaluated: 2025-10-22. Review status: criteria provided, single submitter. Criteria: Ambry Variant Classification Scheme 2023. Collection method: clinical testing. Allele origin: germline.

Mayo Clinic Laboratories, Mayo Clinic
Classification: Uncertain significance. Last evaluated: 2024-06-05. Review status: criteria provided, single submitter. Criteria: ACMG Guidelines, 2015. Collection method: clinical testing. Allele origin: germline. Observed: 1 variant allele.
Comment: BP4

Labcorp Genetics (formerly Invitae), Labcorp
Classification: Uncertain significance. Last evaluated: 2022-08-27. Review status: criteria provided, single submitter. Criteria: Invitae Variant Classification Sherloc (09022015). Collection method: clinical testing. Allele origin: germline.
Comment: This sequence change replaces aspartic acid, which is acidic and polar, with asparagine, which is neutral and polar, at codon 115 of the NAF1 protein (p.Asp115Asn). This variant is present in population databases (rs535175724, gnomAD 0.01%). In summary, the available evidence is currently insufficient to determine the role of this variant in disease. Therefore, it has been classified as a Variant of Uncertain Significance. Algorithms developed to predict the effect of missense changes on protein structure and function (SIFT, PolyPhen-2, Align-GVGD) all suggest that this variant is likely to be tolerated. This variant has not been reported in the literature in individuals affected with NAF1-related conditions.

PreventionGenetics, part of Exact Sciences
Classification: Uncertain significance for NAF1-related condition. Last evaluated: 2024-01-04. Review status: no assertion criteria provided. Collection method: clinical testing. Allele origin: germline. Not counted in ClinVar's aggregate classification.
Comment: The NAF1 c.343G>A variant is predicted to result in the amino acid substitution p.Asp115Asn. To our knowledge, this variant has not been reported in the literature. This variant is reported in 0.013% of alleles in individuals of African descent in gnomAD. At this time, the clinical significance of this variant is uncertain due to the absence of conclusive functional and genetic evidence.

NM_138386.3(NAF1):c.343G>A (p.Asp115Asn)

Gene: NAF1 (nuclear assembly factor 1 ribonucleoprotein; minus strand). Cytogenetic location: 4q32.2.
Variant type: single nucleotide variant.
Coding change: c.343G>A on transcript NM_138386.3 (MANE Select); coding-DNA position 343, G replaced by A.
Protein change: p.Asp115Asn; replaces aspartic acid 115 with asparagine.
Molecular consequence: missense variant.
Genome position (GRCh38, 1-based): chr4:163,166,385, C>T on the plus strand (G>A on the coding strand, the complement: NAF1 is on the minus strand). VCF-style: chr4-163166385-C-T. GRCh37 (hg19) VCF-style: chr4-164087537-C-T.
Other names: p.Asp115Asn; c.343G>A, p.Asp115Asn (NM_001128931.2); c.343G>A (NM_138386.2); short protein forms D115N.
Identifiers: ClinVar variation 1945240 (VCV001945240.11), dbSNP rs535175724, ClinGen allele CA3126409.